The following is an entry in ClinVar:

ClinVar aggregate classification (germline): Likely benign (0 of 4 stars; one submission).

Conditions:
SH2B1-related disorder. Also called: SH2B1-related condition.

Submission:

PreventionGenetics, part of Exact Sciences
Classification: Likely benign for SH2B1-related condition. Last evaluated: 2024-08-30. Review status: no assertion criteria provided. Collection method: clinical testing. Allele origin: germline.
Comment: This variant is classified as likely benign based on ACMG/AMP sequence variant interpretation guidelines (Richards et al. 2015 PMID: 25741868, with internal and published modifications).

NM_001387430.1(SH2B1):c.2238C>T (p.Pro746=)

Gene: SH2B1 (SH2B adaptor protein 1; plus strand). Cytogenetic location: 16p11.2.
Variant type: single nucleotide variant.
Coding change: c.2238C>T on transcript NM_001387430.1 (MANE Select); coding-DNA position 2238, C replaced by T.
Protein change: p.Pro746=; no amino-acid change (proline 746 retained).
Molecular consequence: synonymous variant. On other transcripts: 3 prime UTR variant (5).
Genome position (GRCh38, 1-based): chr16:28,873,787, C>T. VCF-style: chr16-28873787-C-T. GRCh37 (hg19) VCF-style: chr16-28885108-C-T.
Other names: c.2238C>T, p.Pro746= (NM_001145795.2, NM_001308293.2, NM_001387404.1); c.*322C>T (NM_001145796.2, NM_001145812.2, NM_001308294.2 and 1 more transcripts); c.*339C>T (NM_001145797.2).
Identifiers: ClinVar variation 3355878 (VCV003355878.1).